The following is an entry in ClinVar:

NM_001008216.2(GALE):c.643-2A>C

Gene: GALE (UDP-galactose-4-epimerase; minus strand). Cytogenetic location: 1p36.11.
Variant type: single nucleotide variant.
Coding change: c.643-2A>C on transcript NM_001008216.2 (MANE Select); the canonical splice acceptor site of the intron before coding-DNA position 643, A replaced by C.
Molecular consequence: splice acceptor variant.
Genome position (GRCh38, 1-based): chr1:23,796,944, T>G on the plus strand (A>C on the coding strand, the complement: GALE is on the minus strand). VCF-style: chr1-23796944-T-G. GRCh37 (hg19) VCF-style: chr1-24123434-T-G.
Other names: c.643-2A>C (NM_000403.4, NM_001127621.2).
Identifiers: ClinVar variation 2868204 (VCV002868204.4), dbSNP rs773462569, ClinGen allele CA685589.

ClinVar aggregate classification (germline): Likely pathogenic. Review status: criteria provided, multiple submitters, no conflicts (2 of 4 stars). 2 submissions from 2 submitters: Likely pathogenic (2). Last evaluated 2024-06-11.

Conditions:
Thrombocytopenia 13, syndromic. Also called: THROMBOCYTOPENIA, AUTOSOMAL RECESSIVE, 13. Identifiers: MedGen C5935599, MONDO:0958333, OMIM 620776.
UDPglucose-4-epimerase deficiency. Also called: UDPglucose 4-Epimerase Deficiency Disease; Epimerase Deficiency Galactosemia; GALACTOSEMIA III; GALE DEFICIENCY; UDP-GALACTOSE-4-EPIMERASE DEFICIENCY; Galactose epimerase deficiency. Identifiers: Orphanet 352, Orphanet 79238, MedGen C0751161, MONDO:0009257, OMIM 230350.

Allele frequency attached by ClinVar (database versions not stated): TOPMed below 0.00001; ExAC 0.00001.

Submissions (2):

Fulgent Genetics
Classification: Likely pathogenic for UDPglucose-4-epimerase deficiency; Thrombocytopenia 13, syndromic. Last evaluated: 2024-06-11. Review status: criteria provided, single submitter. Criteria: ACMG Guidelines, 2015. Collection method: clinical testing. Allele origin: germline.

Labcorp Genetics (formerly Invitae), Labcorp
Classification: Likely pathogenic for UDPglucose-4-epimerase deficiency. Last evaluated: 2024-02-21. Review status: criteria provided, single submitter. Criteria: Invitae Variant Classification Sherloc (09022015). Collection method: clinical testing. Allele origin: germline.
Comment: This sequence change affects an acceptor splice site in intron 7 of the GALE gene. It is expected to disrupt RNA splicing. Variants that disrupt the donor or acceptor splice site typically lead to a loss of protein function (PMID: 16199547), and loss-of-function variants in GALE are known to be pathogenic (PMID: 16301867). This variant is present in population databases (rs773462569, gnomAD 0.01%). This variant has not been reported in the literature in individuals affected with GALE-related conditions. Algorithms developed to predict the effect of sequence changes on RNA splicing suggest that this variant may disrupt the consensus splice site. In summary, the currently available evidence indicates that the variant is pathogenic, but additional data are needed to prove that conclusively. Therefore, this variant has been classified as Likely Pathogenic.

Literature cited by the submitters: PubMed 16199547 (cited by Labcorp Genetics (formerly Invitae), Labcorp); PubMed 16301867 (cited by Labcorp Genetics (formerly Invitae), Labcorp).